The following is an entry in ClinVar:

NM_001851.6(COL9A1):c.624A>G (p.Pro208=)

Gene: COL9A1 (collagen type IX alpha 1 chain; minus strand). Cytogenetic location: 6q13.
Variant type: single nucleotide variant.
Coding change: c.624A>G on transcript NM_001851.6 (MANE Select); coding-DNA position 624, A replaced by G.
Protein change: p.Pro208=; no amino-acid change (proline 208 retained).
Molecular consequence: synonymous variant.
Genome position (GRCh38, 1-based): chr6:70,294,239, T>C on the plus strand (A>G on the coding strand, the complement: COL9A1 is on the minus strand). VCF-style: chr6-70294239-T-C. GRCh37 (hg19) VCF-style: chr6-71003942-T-C.
Other names: c.624A>G, p.Pro208= (NM_001377291.1).
Identifiers: ClinVar variation 513127 (VCV000513127.1), dbSNP rs1554247859, ClinGen allele CA450860329.

ClinVar aggregate classification (germline): Likely benign (1 of 4 stars; one submission).

Allele frequency attached by ClinVar (database versions not stated): gnomAD exomes below 0.00001; gnomAD 0.00001.
gnomAD v4.1: 2 of 1,613,990 alleles (0.00012%); highest among the groups gnomAD compares: African/African-American, 0.0013%; no homozygotes.

Submission:

GeneDx
Classification: Likely benign. Last evaluated: 2017-11-07. Review status: criteria provided, single submitter. Criteria: GeneDx Variant Classification (06012015). Collection method: clinical testing. Allele origin: germline. Affected: yes.
Comment: This variant is considered likely benign or benign based on one or more of the following criteria: it is a conservative change, it occurs at a poorly conserved position in the protein, it is predicted to be benign by multiple in silico algorithms, and/or has population frequency not consistent with disease.